The following is an entry in ClinVar:

NM_152296.5(ATP1A3):c.266G>A (p.Gly89Asp)

Gene: ATP1A3 (ATPase Na+/K+ transporting subunit alpha 3; minus strand). Cytogenetic location: 19q13.2.
Variant type: single nucleotide variant.
Coding change: c.266G>A on transcript NM_152296.5 (MANE Select); coding-DNA position 266, G replaced by A.
Protein change: p.Gly89Asp; replaces glycine 89 with aspartic acid.
Molecular consequence: missense variant.
Genome position (GRCh38, 1-based): chr19:41,988,027, C>T on the plus strand (G>A on the coding strand, the complement: ATP1A3 is on the minus strand). VCF-style: chr19-41988027-C-T. GRCh37 (hg19) VCF-style: chr19-42492179-C-T.
Other names: c.299G>A, p.Gly100Asp (NM_001256213.2); c.305G>A, p.Gly102Asp (NM_001256214.2); short protein forms G100D, G102D, G89D.
Identifiers: ClinVar variation 4855415 (VCV004855415.1).
Genomic context (GRCh38, chr19:41,988,027, plus strand): 5'-GCCTGGATACCGTAGGCCAGGAAGCAGAGGATAGCCCCGATCCACAGCAGGATGGAGAAG[C>T]CCCCGAAGAGCTGCCGGCAAAACTTGACCCACTCTGGGGTGGTAGGCGGTGGCGTGAGTG-3'
Protein context (NP_689509.1, residues 79-99): WVKFCRQLFG[Gly89Asp]FSILLWIGAI

ClinVar aggregate classification (germline): Pathogenic (1 of 4 stars; one submission).

Conditions:
ATP1A3-related disorder. Also called: ATP1A3-related disorders; ATP1A3-related condition. Identifiers: MedGen CN381097.

Submission:

3billion
Classification: Pathogenic for ATP1A3-related disorder. Last evaluated: 2025-07-10. Review status: criteria provided, single submitter. Criteria: ACMG Guidelines, 2015. Collection method: clinical testing. Allele origin: germline. Affected: yes.
Comment: The variant is not observed in the gnomAD v4.1.0 dataset. Predicted Consequence/Location: Missense variant. Missense changes are a common disease-causing mechanism. In silico tool predictions suggest damaging effect of the variant on gene or gene product [REVEL: 0.81 (>=0.6, sensitivity 0.68 and specificity 0.92); 3Cnet: 0.96 (> 0.75, sensitivity 0.96 and precision 0.92)]. The same nucleotide change resulting in the same amino acid change has been previously reported to be associated with ATP1A3-related disorder (PMID: 34490615). The variant has been previously reported as de novo in a similarly affected individual (PMID: 34490615). Different missense changes at the same codon (p.Gly89Ala, p.Gly89Cys, p.Gly89Ser, p.Gly89Val) have been reported as pathogenic/likely pathogenic with strong evidence (ClinVar ID: VCV000387720, VCV000807379, VCV001802594 /PMID: 33098801 /3billion dataset). Therefore, this variant is classified as Pathogenic according to the recommendation of ACMG/AMP guideline.

Literature cited by the submitters: PubMed 33098801; PubMed 34490615.